The following is an entry in ClinVar:

NM_014611.3(MDN1):c.5472+10del

Gene: MDN1 (midasin AAA ATPase 1; minus strand). Cytogenetic location: 6q15.
Variant type: Deletion.
Coding change: c.5472+10del on transcript NM_014611.3 (MANE Select); 10 bases into the intron after coding-DNA position 5472, one base deleted (C; older notation c.5472+10delC).
Molecular consequence: intron variant.
Genome position (GRCh38, 1-based): chr6:89,727,823, G deleted on the plus strand (C on the coding strand, the reverse complement: MDN1 is on the minus strand); the first of 2 consecutive G bases (chr6:89,727,823-89,727,824); deleting either gives the same sequence. VCF-style (leftmost placement, unchanged base first): chr6-89727822-AG-A. GRCh37 (hg19) VCF-style: chr6-90437541-AG-A.
Identifiers: ClinVar variation 3056916 (VCV003056916.2), dbSNP rs141476254, ClinGen allele CA3924834.

ClinVar aggregate classification (germline): Benign (0 of 4 stars; one submission).

Conditions:
MDN1-related disorder. Also called: MDN1-related condition.

Submission:

PreventionGenetics, part of Exact Sciences
Classification: Benign for MDN1-related condition. Last evaluated: 2019-02-20. Review status: no assertion criteria provided. Collection method: clinical testing. Allele origin: germline.
Comment: This variant is classified as benign based on ACMG/AMP sequence variant interpretation guidelines (Richards et al. 2015 PMID: 25741868, with internal and published modifications).